The following is an entry in ClinVar:

ClinVar aggregate classification (germline): Uncertain significance. Review status: criteria provided, multiple submitters, no conflicts (2 of 4 stars). 2 submissions from 2 submitters: Uncertain significance (2). Last evaluated 2025-09-27.

Conditions:
Inborn genetic diseases. Identifiers: MedGen C0950123, MeSH D030342.

Allele frequency attached by ClinVar (database versions not stated): gnomAD exomes 0.00001; ExAC 0.00002; TOPMed 0.00002; gnomAD 0.00003; 1000 Genomes Project 30x 0.00016; 1000 Genomes Project 0.00020.

Submissions (2):

Ambry Genetics
Classification: Uncertain significance for Inborn genetic diseases. Last evaluated: 2025-09-27. Review status: criteria provided, single submitter. Criteria: Ambry Variant Classification Scheme 2023. Collection method: clinical testing. Allele origin: germline.

Labcorp Genetics (formerly Invitae), Labcorp
Classification: Uncertain significance. Last evaluated: 2024-02-18. Review status: criteria provided, single submitter. Criteria: Invitae Variant Classification Sherloc (09022015). Collection method: clinical testing. Allele origin: germline.
Comment: This sequence change replaces serine, which is neutral and polar, with asparagine, which is neutral and polar, at codon 389 of the CHD8 protein (p.Ser389Asn). This variant is present in population databases (rs201623364, gnomAD 0.007%). This variant has not been reported in the literature in individuals affected with CHD8-related conditions. Algorithms developed to predict the effect of missense changes on protein structure and function output the following: SIFT: "Not Available"; PolyPhen-2: "Benign"; Align-GVGD: "Not Available". The asparagine amino acid residue is found in multiple mammalian species, which suggests that this missense change does not adversely affect protein function. In summary, the available evidence is currently insufficient to determine the role of this variant in disease. Therefore, it has been classified as a Variant of Uncertain Significance.

NM_001170629.2(CHD8):c.1166G>A (p.Ser389Asn)

Gene: CHD8 (chromodomain helicase DNA binding protein 8; minus strand). Cytogenetic location: 14q11.2.
Variant type: single nucleotide variant.
Coding change: c.1166G>A on transcript NM_001170629.2 (MANE Select); coding-DNA position 1166, G replaced by A.
Protein change: p.Ser389Asn; replaces serine 389 with asparagine.
Molecular consequence: missense variant.
Genome position (GRCh38, 1-based): chr14:21,429,013, C>T on the plus strand (G>A on the coding strand, the complement: CHD8 is on the minus strand). VCF-style: chr14-21429013-C-T. GRCh37 (hg19) VCF-style: chr14-21897172-C-T.
Other names: c.329G>A, p.Ser110Asn (NM_020920.4); c.1166G>A (NM_001170629.1); short protein forms S110N, S389N.
Identifiers: ClinVar variation 2909677 (VCV002909677.4), dbSNP rs201623364, ClinGen allele CA7091833.